The following is an entry in ClinVar:

NM_000217.3(KCNA1):c.60G>C (p.Gln20His)

Gene: KCNA1 (potassium voltage-gated channel subfamily A member 1; plus strand). Cytogenetic location: 12p13.32.
Variant type: single nucleotide variant.
Coding change: c.60G>C on transcript NM_000217.3 (MANE Select); coding-DNA position 60, G replaced by C.
Protein change: p.Gln20His; replaces glutamine 20 with histidine.
Molecular consequence: missense variant.
Genome position (GRCh38, 1-based): chr12:4,911,438, G>C. VCF-style: chr12-4911438-G-C. GRCh37 (hg19) VCF-style: chr12-5020604-G-C.
Other names: short protein forms Q20H.
Identifiers: ClinVar variation 447612 (VCV000447612.49), dbSNP rs201504073, ClinGen allele CA6399336.
Genomic context (GRCh38, chr12:4,911,438, plus strand): 5'-CATGACGGTGATGTCTGGGGAGAACGTGGACGAGGCTTCGGCCGCCCCGGGCCACCCCCA[G>C]GATGGCAGCTACCCCCGGCAGGCCGACCACGACGACCACGAGTGCTGCGAGCGCGTGGTG-3'
Protein context (NP_000208.2, residues 10-30): DEASAAPGHP[Gln20His]DGSYPRQADH

ClinVar aggregate classification (germline): Conflicting classifications of pathogenicity. Review status: criteria provided, conflicting classifications (1 of 4 stars). 5 submissions from 5 submitters: Uncertain significance (1); Likely benign (4). Last evaluated 2025-09-24.

Conditions:
Episodic ataxia type 1 (EA1). Also called: Episodic ataxia/myokymia syndrome; MYOKYMIA WITH PERIODIC ATAXIA; PAROXYSMAL ATAXIA WITH NEUROMYOTONIA, HEREDITARY; ATAXIA, EPISODIC, WITH MYOKYMIA. Identifiers: Orphanet 37612, Orphanet 972, MedGen C1719788, MONDO:0008047, OMIM 160120.

Allele frequency attached by ClinVar (database versions not stated): ExAC 0.00011; gnomAD exomes 0.00011; gnomAD 0.00019 and 0.00020; TOPMed 0.00021; ESP Exome Variant Server 0.00023.

Submissions (5):

Labcorp Genetics (formerly Invitae), Labcorp
Classification: Likely benign for Episodic ataxia type 1. Last evaluated: 2025-09-24. Review status: criteria provided, single submitter. Criteria: Invitae Variant Classification Sherloc (09022015). Collection method: clinical testing. Allele origin: germline.

Athena Diagnostics
Classification: Likely benign. Last evaluated: 2025-01-21. Review status: criteria provided, single submitter. Criteria: Athena Diagnostics Criteria. Collection method: clinical testing. Allele origin: unknown.
Comment: The frequency of this variant in the general population is higher than would generally be expected for pathogenic variants in this gene. This variant has been seen where an alternate explanation for disease was also identified.

CeGaT Center for Human Genetics Tuebingen
Classification: Likely benign. Last evaluated: 2024-08-01. Review status: criteria provided, single submitter. Criteria: CeGaT Center For Human Genetics Tuebingen Variant Classification Criteria Version 2. Collection method: clinical testing. Allele origin: germline. Affected: yes. Observed: 5 variant alleles.
Comment: KCNA1: PP2, BS2

Blueprint Genetics
Classification: Likely benign. Last evaluated: 2024-06-10. Review status: criteria provided, single submitter. Criteria: ACMG Guidelines, 2015. Collection method: clinical testing. Allele origin: germline.

Fulgent Genetics
Classification: Uncertain significance for Episodic ataxia type 1. Last evaluated: 2018-10-31. Review status: criteria provided, single submitter. Criteria: ACMG Guidelines, 2015. Collection method: clinical testing. Allele origin: unknown.

Literature cited by the submitters: PubMed 29375859 (cited by Athena Diagnostics).